The following is an entry in ClinVar:

ClinVar aggregate classification (germline): Conflicting classifications of pathogenicity. Review status: criteria provided, conflicting classifications (1 of 4 stars). 2 submissions from 2 submitters: Uncertain significance (1); Likely benign (1). Last evaluated 2023-11-27.

Conditions:
Inborn genetic diseases. Identifiers: MedGen C0950123, MeSH D030342.

Allele frequency attached by ClinVar (database versions not stated): gnomAD exomes 0.00005; gnomAD 0.00008; TOPMed 0.00011; ExAC 0.00018; 1000 Genomes Project 30x 0.00021; 1000 Genomes Project 0.00026.
gnomAD v4.1: 64 of 1,205,491 alleles (0.0053%); highest among the groups gnomAD compares: East Asian, 0.19%; 1 homozygote.

Submissions (2):

Ambry Genetics
Classification: Uncertain significance for Inborn genetic diseases. Last evaluated: 2023-11-27. Review status: criteria provided, single submitter. Criteria: Ambry Variant Classification Scheme 2023. Collection method: clinical testing. Allele origin: germline.

CeGaT Center for Human Genetics Tuebingen
Classification: Likely benign. Last evaluated: 2023-01-01. Review status: criteria provided, single submitter. Criteria: CeGaT Center For Human Genetics Tuebingen Variant Classification Criteria Version 2. Collection method: clinical testing. Allele origin: germline. Affected: yes. Observed: 1 variant allele.
Comment: TEX11: BP4, BS2

NM_031276.3(TEX11):c.1781G>A (p.Cys594Tyr)

Gene: TEX11 (testis expressed 11; minus strand). Cytogenetic location: Xq13.1.
Variant type: single nucleotide variant.
Coding change: c.1781G>A on transcript NM_031276.3 (MANE Select); coding-DNA position 1781, G replaced by A.
Protein change: p.Cys594Tyr; replaces cysteine 594 with tyrosine.
Molecular consequence: missense variant.
Genome position (GRCh38, 1-based): chrX:70,610,514, C>T on the plus strand (G>A on the coding strand, the complement: TEX11 is on the minus strand). VCF-style: chrX-70610514-C-T. GRCh37 (hg19) VCF-style: chrX-69830364-C-T.
Other names: c.1826G>A, p.Cys609Tyr (NM_001003811.2); c.1826G>A (NM_001003811.1); short protein forms C594Y, C609Y.
Identifiers: ClinVar variation 2660830 (VCV002660830.25), dbSNP rs200375710, ClinGen allele CA10442599.